The following is an entry in ClinVar:

NM_001281740.3(FHOD3):c.1271G>C (p.Cys424Ser)

Gene: FHOD3 (formin homology 2 domain containing 3; plus strand). Cytogenetic location: 18q12.2.
Variant type: single nucleotide variant.
Coding change: c.1271G>C on transcript NM_001281740.3 (MANE Select); coding-DNA position 1271, G replaced by C.
Protein change: p.Cys424Ser; replaces cysteine 424 with serine.
Molecular consequence: missense variant. On other transcripts: intron variant (2).
Genome position (GRCh38, 1-based): chr18:36,649,390, G>C. VCF-style: chr18-36649390-G-C. GRCh37 (hg19) VCF-style: chr18-34229353-G-C.
Other names: c.1197-8685G>C (NM_025135.5, NM_001281739.3); short protein forms C424S.
Identifiers: ClinVar variation 3255140 (VCV003255140.1), dbSNP rs2517728868.

ClinVar aggregate classification (germline): Uncertain significance (1 of 4 stars; one submission).

Conditions:
Cardiomyopathy, familial hypertrophic, 28. Identifiers: MedGen C5543616, MONDO:0030317, OMIM 619402.

gnomAD v4.1: 2 of 1,535,616 alleles (0.00013%); highest among the groups gnomAD compares: Non-Finnish European, 0.00017%; no homozygotes.

Submission:

Victorian Clinical Genetics Services, Murdoch Childrens Research Institute
Classification: Uncertain significance for Cardiomyopathy, familial hypertrophic, 28. Last evaluated: 2023-07-16. Review status: criteria provided, single submitter. Criteria: ACMG Guidelines, 2015. Collection method: clinical testing. Allele origin: germline. Inheritance: Autosomal dominant inheritance. Affected: yes.
Comment: Based on the classification scheme VCGS_Germline_v1.3.4, this variant is classified as VUS-3C. Following criteria are met: 0105 - The mechanism of disease for this gene is not clearly established. However, dominant negative is a suggested mechanism (PMIDs: 24088304, 35205353). (I) 0107 - This gene is associated with autosomal dominant disease. (I) 0112 - The condition associated with this gene has incomplete penetrance (PMID: 30442288). (I) 0200 - Variant is predicted to result in a missense amino acid change from cysteine to serine. (I) 0251 - This variant is heterozygous. (I) 0302 - A same missense change encoded by an alternative nucleotide change is present in gnomAD (v2) <0.001 for a dominant condition (1 heterozygote, 0 homozygotes). (SP) 0503 - Missense variant consistently predicted to be tolerated by multiple in silico tools or not conserved in placental mammals with a minor amino acid change. (SB) 0600 - Variant is located in an exclusively cardiac isoform domain of the protein (PMID: 33586461). (I) 0705 - No comparable missense variants have previous evidence for pathogenicity. (I) 0807 - This variant has no previous evidence of pathogenicity. (I) 0905 - No published segregation evidence has been identified for this variant. (I) 1007 - No published functional evidence has been identified for this variant. (I) 1208 - Inheritance information for this variant is not currently available in this individual. (I) Legend: (SP) - Supporting pathogenic, (I) - Information, (SB) - Supporting benign

Literature cited by the submitters: PubMed 24088304; PubMed 30442288; PubMed 33586461; PubMed 35205353.